The following is an entry in ClinVar:

ClinVar aggregate classification (germline): Uncertain significance (1 of 4 stars; one submission).

Submission:

Labcorp Genetics (formerly Invitae), Labcorp
Classification: Uncertain significance. Last evaluated: 2021-12-01. Review status: criteria provided, single submitter. Criteria: Invitae Variant Classification Sherloc (09022015). Collection method: clinical testing. Allele origin: germline.
Comment: This variant has not been reported in the literature in individuals affected with OBSL1-related conditions. This variant is not present in population databases (gnomAD no frequency). This sequence change replaces leucine, which is neutral and non-polar, with arginine, which is basic and polar, at codon 1687 of the OBSL1 protein (p.Leu1687Arg). Algorithms developed to predict the effect of missense changes on protein structure and function are either unavailable or do not agree on the potential impact of this missense change (SIFT: "Deleterious"; PolyPhen-2: "Probably Damaging"; Align-GVGD: "Class C0"). In summary, the available evidence is currently insufficient to determine the role of this variant in disease. Therefore, it has been classified as a Variant of Uncertain Significance.

NM_015311.3(OBSL1):c.5060T>G (p.Leu1687Arg)

Gene: OBSL1 (obscurin like cytoskeletal adaptor 1; minus strand). Cytogenetic location: 2q35.
Variant type: single nucleotide variant.
Coding change: c.5060T>G on transcript NM_015311.3 (MANE Select); coding-DNA position 5060, T replaced by G.
Protein change: p.Leu1687Arg; replaces leucine 1687 with arginine.
Molecular consequence: missense variant.
Genome position (GRCh38, 1-based): chr2:219,552,954, A>C on the plus strand (T>G on the coding strand, the complement: OBSL1 is on the minus strand). VCF-style: chr2-219552954-A-C. GRCh37 (hg19) VCF-style: chr2-220417676-A-C.
Other names: short protein forms L1687R.
Identifiers: ClinVar variation 2022874 (VCV002022874.4), dbSNP rs757858688, ClinGen allele CA350720507.